The following is an entry in ClinVar:

ClinVar aggregate classification (germline): Uncertain significance (1 of 4 stars; one submission).

Submission:

Labcorp Genetics (formerly Invitae), Labcorp
Classification: Uncertain significance. Last evaluated: 2023-05-23. Review status: criteria provided, single submitter. Criteria: Invitae Variant Classification Sherloc (09022015). Collection method: clinical testing. Allele origin: germline.
Comment: This sequence change replaces threonine, which is neutral and polar, with lysine, which is basic and polar, at codon 426 of the CLCN7 protein (p.Thr426Lys). This variant is not present in population databases (gnomAD no frequency). This variant has not been reported in the literature in individuals affected with CLCN7-related conditions. An algorithm developed to predict the effect of missense changes on protein structure and function (PolyPhen-2) suggests that this variant is likely to be disruptive. In summary, the available evidence is currently insufficient to determine the role of this variant in disease. Therefore, it has been classified as a Variant of Uncertain Significance.

NM_001287.6(CLCN7):c.1277C>A (p.Thr426Lys)

Gene: CLCN7 (chloride voltage-gated channel 7; minus strand). Cytogenetic location: 16p13.3.
Variant type: single nucleotide variant.
Coding change: c.1277C>A on transcript NM_001287.6 (MANE Select); coding-DNA position 1277, C replaced by A.
Protein change: p.Thr426Lys; replaces threonine 426 with lysine.
Molecular consequence: missense variant.
Genome position (GRCh38, 1-based): chr16:1,452,831, G>T on the plus strand (C>A on the coding strand, the complement: CLCN7 is on the minus strand). VCF-style: chr16-1452831-G-T. GRCh37 (hg19) VCF-style: chr16-1502832-G-T.
Other names: c.1205C>A, p.Thr402Lys (NM_001114331.3); short protein forms T426K, T402K.
Identifiers: ClinVar variation 2755589 (VCV002755589.3), dbSNP rs2505824855, ClinGen allele CA394189188.